The following is an entry in ClinVar:

ClinVar aggregate classification (germline): Uncertain significance (1 of 4 stars; one submission).

Conditions:
Neuromuscular disease caused by qualitative or quantitative defects of dysferlin. Also called: Dysferlinopathy; Qualitative or quantitative defects of dysferlin. Identifiers: Orphanet 207073, MedGen C2931687, MONDO:0016145.

Submission:

Labcorp Genetics (formerly Invitae), Labcorp
Classification: Uncertain significance for Neuromuscular disease caused by qualitative or quantitative defects of dysferlin. Last evaluated: 2022-11-22. Review status: criteria provided, single submitter. Criteria: Invitae Variant Classification Sherloc (09022015). Collection method: clinical testing. Allele origin: germline.
Comment: This sequence change replaces arginine, which is basic and polar, with glycine, which is neutral and non-polar, at codon 1581 of the DYSF protein (p.Arg1581Gly). In summary, the available evidence is currently insufficient to determine the role of this variant in disease. Therefore, it has been classified as a Variant of Uncertain Significance. Advanced modeling of protein sequence and biophysical properties (such as structural, functional, and spatial information, amino acid conservation, physicochemical variation, residue mobility, and thermodynamic stability) performed at Invitae indicates that this missense variant is expected to disrupt DYSF protein function. ClinVar contains an entry for this variant (Variation ID: 1420726). This variant has not been reported in the literature in individuals affected with DYSF-related conditions. This variant is not present in population databases (gnomAD no frequency).

NM_001130987.2(DYSF):c.4858C>G (p.Arg1620Gly)

Gene: DYSF (dysferlin; plus strand). Cytogenetic location: 2p13.2.
Variant type: single nucleotide variant.
Coding change: c.4858C>G on transcript NM_001130987.2 (MANE Select); coding-DNA position 4858, C replaced by G.
Protein change: p.Arg1620Gly; replaces arginine 1620 with glycine.
Molecular consequence: missense variant.
Genome position (GRCh38, 1-based): chr2:71,658,980, C>G. VCF-style: chr2-71658980-C-G. GRCh37 (hg19) VCF-style: chr2-71886110-C-G.
Other names: c.4744C>G, p.Arg1582Gly (NM_001130455.2); c.4699C>G, p.Arg1567Gly (NM_001130976.2); c.4762C>G, p.Arg1588Gly (NM_001130977.2); c.4804C>G, p.Arg1602Gly (NM_001130978.2); c.4834C>G, p.Arg1612Gly (NM_001130979.2); c.4792C>G, p.Arg1598Gly (NM_001130980.2); c.4855C>G, p.Arg1619Gly (NM_001130981.2); c.4837C>G, p.Arg1613Gly (NM_001130982.2); and 5 more; short protein forms R1598G, R1602G, R1619G, R1620G, R1568G, R1588G, R1603G, R1567G.
Identifiers: ClinVar variation 1420726 (VCV001420726.8), dbSNP rs752946123, ClinGen allele CA347219813.